The following is an entry in ClinVar:

NM_000059.4(BRCA2):c.1023T>A (p.Cys341Ter)

Gene: BRCA2 (BRCA2 DNA repair associated; plus strand). Cytogenetic location: 13q13.1.
Variant type: single nucleotide variant.
Coding change: c.1023T>A on transcript NM_000059.4 (MANE Select); coding-DNA position 1023, T replaced by A.
Protein change: p.Cys341Ter; replaces cysteine 341 with a stop codon.
Molecular consequence: nonsense.
Genome position (GRCh38, 1-based): chr13:32,332,501, T>A. VCF-style: chr13-32332501-T-A. GRCh37 (hg19) VCF-style: chr13-32906638-T-A.
Other names: 1251T>A; short protein forms C341*.
Identifiers: ClinVar variation 266601 (VCV000266601.5), dbSNP rs886040339, ClinGen allele CA10589067.

ClinVar aggregate classification (germline): Pathogenic. Review status: reviewed by expert panel (3 of 4 stars). 2 submissions from 2 submitters: Pathogenic (1). 1 of the submissions does not count toward it. Last evaluated 2016-10-18.

Conditions:
Breast-ovarian cancer, familial, susceptibility to, 2 (BROVCA2). Also called: BRCA2 Hereditary Breast and Ovarian Cancer. Identifiers: Orphanet 145, MedGen C2675520, MONDO:0012933, OMIM 612555. Disease mechanism: loss of function.

Submissions (2):

Evidence-based Network for the Interpretation of Germline Mutant Alleles (ENIGMA)
Classification: Pathogenic for Breast-ovarian cancer, familial, susceptibility to, 2. Last evaluated: 2016-10-18. Review status: reviewed by expert panel. Criteria: ENIGMA BRCA1/2 Classification Criteria (2015). Collection method: curation. Allele origin: germline.
Comment: Variant allele predicted to encode a truncated non-functional protein.

Consortium of Investigators of Modifiers of BRCA1/2 (CIMBA), c/o University of Cambridge
Classification: Pathogenic for Breast-ovarian cancer, familial, susceptibility to, 2. Last evaluated: 2015-10-02. Review status: criteria provided, single submitter. Criteria: CIMBA Mutation Classification guidelines May 2016. Collection method: clinical testing. Allele origin: germline. Not counted in ClinVar's aggregate classification.